The following is an entry in ClinVar:

NM_017780.4(CHD7):c.5209A>T (p.Lys1737Ter)

Gene: CHD7 (chromodomain helicase DNA binding protein 7; plus strand). Cytogenetic location: 8q12.2.
Variant type: single nucleotide variant.
Coding change: c.5209A>T on transcript NM_017780.4 (MANE Select); coding-DNA position 5209, A replaced by T.
Protein change: p.Lys1737Ter; replaces lysine 1737 with a stop codon.
Molecular consequence: nonsense. On other transcripts: intron variant (1).
Genome position (GRCh38, 1-based): chr8:60,845,408, A>T. VCF-style: chr8-60845408-A-T. GRCh37 (hg19) VCF-style: chr8-61757967-A-T.
Other names: c.1717-16821A>T (NM_001316690.1); short protein forms K1737*.
Identifiers: ClinVar variation 2860819 (VCV002860819.3), dbSNP rs2487976398, ClinGen allele CA371320745.

ClinVar aggregate classification (germline): Pathogenic (1 of 4 stars; one submission).

Conditions:
CHARGE syndrome (CHARGE). Also called: Hittner Hirsch Kreh syndrome; CHARGE ASSOCIATION--COLOBOMA, HEART ANOMALY, CHOANAL ATRESIA, RETARDATION, GENITAL AND EAR ANOMALIES; Coloboma, heart anomaly, choanal atresia, retardation, genital and ear anomalies; CHARGE association; Hall-Hittner syndrome. Identifiers: Orphanet 138, MedGen C0265354, MONDO:0008965.

Submission:

Labcorp Genetics (formerly Invitae), Labcorp
Classification: Pathogenic for CHARGE syndrome. Last evaluated: 2023-04-30. Review status: criteria provided, single submitter. Criteria: Invitae Variant Classification Sherloc (09022015). Collection method: clinical testing. Allele origin: germline.
Comment: For these reasons, this variant has been classified as Pathogenic. Algorithms developed to predict the effect of sequence changes on RNA splicing suggest that this variant may disrupt the consensus splice site. This variant has not been reported in the literature in individuals affected with CHD7-related conditions. This variant is not present in population databases (gnomAD no frequency). This sequence change creates a premature translational stop signal (p.Lys1737*) in the CHD7 gene. It is expected to result in an absent or disrupted protein product. Loss-of-function variants in CHD7 are known to be pathogenic (PMID: 22461308, 25077900).

Literature cited by the submitters: PubMed 22461308; PubMed 25077900.